The following is an entry in ClinVar:

NM_000384.3(APOB):c.5551_5558del (p.Tyr1851fs)

Gene: APOB (apolipoprotein B; minus strand). Cytogenetic location: 2p24.1.
Variant type: Deletion.
Coding change: c.5551_5558del on transcript NM_000384.3 (MANE Select); coding-DNA positions 5551 to 5558, 8 bases deleted (TATAAAGC; older notation c.5551_5558delTATAAAGC).
Protein change: p.Tyr1851fs; shifts the reading frame from tyrosine 1851.
Molecular consequence: frameshift variant.
Genome position (GRCh38, 1-based): chr2:21,011,310-21,011,317, GCTTTATA deleted on the plus strand (TATAAAGC on the coding strand, the reverse complement: APOB is on the minus strand); deleting any 8 consecutive bases within chr2:21,011,310-21,011,321 gives the same sequence; the c. name uses the placement nearest the transcript's 3' end. VCF-style (leftmost placement, unchanged base first): chr2-21011309-TGCTTTATA-T. GRCh37 (hg19) VCF-style: chr2-21234181-TGCTTTATA-T.
Other names: short protein forms Y1851fs.
Identifiers: ClinVar variation 3236855 (VCV003236855.3), dbSNP rs1356095864.
Genomic context (GRCh38, chr2:21,011,309, plus strand): 5'-AGCGATGTCTGTGTTGAGCCGATGGCTAAACTCCACACCCTGAACCTTAGCAACAGTGTC[TGCTTTATA>T]GCTTGCTGATAAGGCAGCAGAAGAGATGGCATAGATGTGTTTTATTTCATTATTTTGGTA-3'

ClinVar aggregate classification (germline): Pathogenic/Likely pathogenic. Review status: criteria provided, multiple submitters, no conflicts (2 of 4 stars). 2 submissions from 2 submitters: Pathogenic (1); Likely pathogenic (1). Last evaluated 2024-11-11.

Conditions:
Hypercholesterolemia, autosomal dominant, type B (FHCL2). Also called: Familial Hypercholesterolemia Type B; APOLIPOPROTEIN B-100, FAMILIAL DEFECTIVE; APOLIPOPROTEIN B-100, FAMILIAL LIGAND-DEFECTIVE; HYPERCHOLESTEROLEMIA, FAMILIAL, DUE TO LIGAND-DEFECTIVE APOLIPOPROTEIN B; Familial hypercholesterolemia 2; APOB-Related Familial Hypercholesterolemia, Autosomal Dominant. Identifiers: MedGen C1704417, MONDO:0007751, OMIM 144010.
Familial hypobetalipoproteinemia 1. Also called: APOB-Related Familial Hypobetalipoproteinemia; Hypobetalipoproteinemia, normotriglyceridemic; Acanthocytosis with hypobetalipoproteinemia. Identifiers: MedGen C4551990, MONDO:0014252, OMIM 615558.
Familial hypercholesterolemia. Also called: Familial hypercholesterolemias; Familial hypercholesterolaemia. Identifiers: MedGen C0020445, MONDO:0005439.

Submissions (2):

Labcorp Genetics (formerly Invitae), Labcorp
Classification: Pathogenic for Familial hypobetalipoproteinemia 1; Hypercholesterolemia, autosomal dominant, type B. Last evaluated: 2024-11-11. Review status: criteria provided, single submitter. Criteria: Invitae Variant Classification Sherloc (09022015). Collection method: clinical testing. Allele origin: germline.
Comment: This sequence change creates a premature translational stop signal (p.Tyr1851Argfs*5) in the APOB gene. It is expected to result in an absent or disrupted protein product. Loss-of-function variants in APOB are known to be pathogenic (PMID: 20032471). This variant is present in population databases (no rsID available, gnomAD 0.0009%). This variant has not been reported in the literature in individuals affected with APOB-related conditions. ClinVar contains an entry for this variant (Variation ID: 3236855). For these reasons, this variant has been classified as Pathogenic.

Human Genome Sequencing Center Clinical Lab, Baylor College of Medicine
Classification: Likely pathogenic for familial hypercholesterolemia. Last evaluated: 2021-09-14. Review status: criteria provided, single submitter. Criteria: ACMG Guidelines, 2015. Collection method: clinical testing. Allele origin: unknown.

Literature cited by the submitters: PubMed 20032471 (cited by Labcorp Genetics (formerly Invitae), Labcorp).